The following is an entry in ClinVar:

NM_006767.4(LZTR1):c.400G>T (p.Gly134Trp)

Gene: LZTR1 (leucine zipper like post translational regulator 1; plus strand). Cytogenetic location: 22q11.21.
Variant type: single nucleotide variant.
Coding change: c.400G>T on transcript NM_006767.4 (MANE Select); coding-DNA position 400, G replaced by T.
Protein change: p.Gly134Trp; replaces glycine 134 with tryptophan.
Molecular consequence: missense variant.
Genome position (GRCh38, 1-based): chr22:20,987,583, G>T. VCF-style: chr22-20987583-G-T. GRCh37 (hg19) VCF-style: chr22-21341872-G-T.
Other names: short protein forms G134W.
Identifiers: ClinVar variation 4101900 (VCV004101900.1).

ClinVar aggregate classification (germline): Likely pathogenic (1 of 4 stars; one submission).

Conditions:
Cardiovascular phenotype. Identifiers: MedGen CN230736.
Hereditary cancer-predisposing syndrome. Also called: Tumor predisposition; Neoplastic Syndromes, Hereditary; Hereditary neoplastic syndrome; Hereditary Cancer Syndrome. Identifiers: Orphanet 140162, MedGen C0027672, MeSH D009386, MONDO:0015356.

Submission:

Ambry Genetics
Classification: Likely pathogenic for Cardiovascular phenotype; Hereditary cancer-predisposing syndrome. Last evaluated: 2025-07-23. Review status: criteria provided, single submitter. Criteria: Ambry Variant Classification Scheme 2023. Collection method: clinical testing. Allele origin: germline.
Comment: The c.400G>T variant (also known as p.G134W), located in coding exon 4 of the LZTR1 gene, results from a G to T substitution at nucleotide position 400. The amino acid change results in glycine to tryptophan at codon 134, an amino acid with highly dissimilar properties. However, this change occurs in the last base pair of coding exon 4, which makes it likely to have some effect on normal mRNA splicing. This nucleotide position is highly conserved in available vertebrate species. In silico splice site analysis predicts that this alteration will weaken the native splice donor site. RNA studies have demonstrated that this alteration results in abnormal splicing in the set of samples tested (Ambry internal data). Loss-of-function variants in LZTR1 are related to an increased risk for schwannomas and autosomal recessive Noonan syndrome; however, such associations with autosomal dominant Noonan syndrome have not been observed (Piotrowski A et al. Nat Genet. 2014 Feb;46:182-7; Yamamoto GL et al. J Med Genet. 2015 Jun;52:413-21; Johnston JJ et al. Genet Med. 2018 10;20:1175-1185). Based on the supporting evidence, this variant is likely pathogenic for an increased risk of LZTR1-related schwannomatosis (SWN) and would be expected to cause autosomal recessive Noonan syndrome when present along with a second pathogenic or likely pathogenic variant on the other allele; however, the association of this alteration with autosomal dominant Noonan syndrome is unlikely.